The following is an entry in ClinVar:

NM_001370259.2(MEN1):c.1730T>A (p.Leu577Gln)

Gene: MEN1 (menin 1; minus strand). Cytogenetic location: 11q13.1.
Variant type: single nucleotide variant.
Coding change: c.1730T>A on transcript NM_001370259.2 (MANE Select); coding-DNA position 1730, T replaced by A.
Protein change: p.Leu577Gln; replaces leucine 577 with glutamine.
Molecular consequence: missense variant. On other transcripts: non-coding transcript variant (4).
Genome position (GRCh38, 1-based): chr11:64,804,437, A>T on the plus strand (T>A on the coding strand, the complement: MEN1 is on the minus strand). VCF-style: chr11-64804437-A-T. GRCh37 (hg19) VCF-style: chr11-64571909-A-T.
Other names: c.1745T>A, p.Leu582Gln (NM_000244.4, NM_001407145.1, NM_130802.3 and 4 more transcripts); c.1856T>A, p.Leu619Gln (NM_001370251.2, NM_001407142.1, NM_001407143.1 and 1 more transcripts); c.1730T>A, p.Leu577Gln (NM_001370260.2, NM_001370261.2, NM_001407146.1 and 2 more transcripts); c.1625T>A, p.Leu542Gln (NM_001370262.2, NM_001370263.2, NM_001407148.1 and 1 more transcripts); c.1871T>A, p.Leu624Gln (NM_001407150.1); c.1751T>A, p.Leu584Gln (NM_001407151.1); c.1565T>A, p.Leu522Gln (NM_001407152.1); short protein forms L577Q, L582Q, L584Q, L619Q, L624Q, L522Q, L542Q.
Identifiers: ClinVar variation 3634182 (VCV003634182.2).

ClinVar aggregate classification (germline): Uncertain significance (1 of 4 stars; one submission).

Conditions:
Multiple endocrine neoplasia, type 1 (MEN1). Also called: MEN I; WERMER SYNDROME; Endocrine adenomatosis multiple; MEN 1; MEA I. Identifiers: Orphanet 652, MedGen C0025267, MeSH D018761, MONDO:0007540, OMIM 131100.

Submission:

Labcorp Genetics (formerly Invitae), Labcorp
Classification: Uncertain significance for Multiple endocrine neoplasia, type 1. Last evaluated: 2024-02-29. Review status: criteria provided, single submitter. Criteria: Invitae Variant Classification Sherloc (09022015). Collection method: clinical testing. Allele origin: germline.
Comment: This sequence change replaces leucine, which is neutral and non-polar, with glutamine, which is neutral and polar, at codon 577 of the MEN1 protein (p.Leu577Gln). This variant is not present in population databases (gnomAD no frequency). This variant has not been reported in the literature in individuals affected with MEN1-related conditions. Advanced modeling of protein sequence and biophysical properties (such as structural, functional, and spatial information, amino acid conservation, physicochemical variation, residue mobility, and thermodynamic stability) performed at Invitae indicates that this missense variant is expected to disrupt MEN1 protein function with a positive predictive value of 95%. In summary, the available evidence is currently insufficient to determine the role of this variant in disease. Therefore, it has been classified as a Variant of Uncertain Significance.